The following is an entry in ClinVar:

ClinVar aggregate classification (germline): Uncertain significance. Review status: criteria provided, multiple submitters, no conflicts (2 of 4 stars). 2 submissions from 2 submitters: Uncertain significance (2). Last evaluated 2022-02-09.

Conditions:
Autoinflammatory syndrome. Identifiers: Orphanet 93665, MedGen C3890737, MONDO:0019751.
Familial cold autoinflammatory syndrome 2 (FCAS2). Identifiers: Orphanet 247868, MedGen C2673198, MONDO:0012724, OMIM 611762.

Allele frequency attached by ClinVar (database versions not stated): gnomAD exomes below 0.00001; TOPMed below 0.00001; ExAC 0.00001.
gnomAD v4.1: 3 of 1,614,072 alleles (0.00019%); highest among the groups gnomAD compares: South Asian, 0.0033%; no homozygotes.

Submissions (2):

Labcorp Genetics (formerly Invitae), Labcorp
Classification: Uncertain significance for Familial cold autoinflammatory syndrome 2. Last evaluated: 2022-02-09. Review status: criteria provided, single submitter. Criteria: Invitae Variant Classification Sherloc (09022015). Collection method: clinical testing. Allele origin: germline.
Comment: In summary, the available evidence is currently insufficient to determine the role of this variant in disease. Therefore, it has been classified as a Variant of Uncertain Significance. This sequence change replaces histidine, which is basic and polar, with tyrosine, which is neutral and polar, at codon 351 of the NLRP12 protein (p.His351Tyr). This variant is present in population databases (rs769279430, gnomAD 0.003%). This variant has not been reported in the literature in individuals affected with NLRP12-related conditions. Algorithms developed to predict the effect of missense changes on protein structure and function are either unavailable or do not agree on the potential impact of this missense change (SIFT: "Tolerated"; PolyPhen-2: "Possibly Damaging"; Align-GVGD: "Class C15").

Genome Diagnostics Laboratory, The Hospital for Sick Children
Classification: Uncertain significance for Autoinflammatory syndrome. Last evaluated: 2016-12-12. Review status: criteria provided, single submitter. Criteria: ACMG Guidelines, 2015. Collection method: clinical testing. Allele origin: germline. Affected: yes.

NM_144687.4(NLRP12):c.1051C>T (p.His351Tyr)

Gene: NLRP12 (NLR family pyrin domain containing 12; minus strand). Cytogenetic location: 19q13.42.
Variant type: single nucleotide variant.
Coding change: c.1051C>T on transcript NM_144687.4 (MANE Select); coding-DNA position 1051, C replaced by T.
Protein change: p.His351Tyr; replaces histidine 351 with tyrosine.
Molecular consequence: missense variant.
Genome position (GRCh38, 1-based): chr19:53,810,608, G>A on the plus strand (C>T on the coding strand, the complement: NLRP12 is on the minus strand). VCF-style: chr19-53810608-G-A. GRCh37 (hg19) VCF-style: chr19-54313862-G-A.
Other names: c.1051C>T, p.His351Tyr (NM_001277126.2, NM_001277129.1); short protein forms H351Y.
Identifiers: ClinVar variation 1429985 (VCV001429985.9), dbSNP rs769279430, ClinGen allele CA9639531.